The following is an entry in ClinVar:

ClinVar aggregate classification (germline): Pathogenic. Review status: criteria provided, multiple submitters, no conflicts (2 of 4 stars). 2 submissions from 2 submitters: Pathogenic (2). Last evaluated 2024-11-05.

Conditions:
Retinitis pigmentosa 25 (RP25). Identifiers: Orphanet 791, MedGen C1864446, MONDO:0011272, OMIM 602772.

gnomAD v4.1: 4 of 1,515,786 alleles (0.00026%); highest among the groups gnomAD compares: Non-Finnish European, 0.00036%; no homozygotes.

Submissions (2):

Labcorp Genetics (formerly Invitae), Labcorp
Classification: Pathogenic. Last evaluated: 2024-11-05. Review status: criteria provided, single submitter. Criteria: Invitae Variant Classification Sherloc (09022015). Collection method: clinical testing. Allele origin: germline.
Comment: This sequence change creates a premature translational stop signal (p.Glu809*) in the EYS gene. It is expected to result in an absent or disrupted protein product. Loss-of-function variants in EYS are known to be pathogenic (PMID: 18836446, 20333770). This variant is not present in population databases (gnomAD no frequency). This variant has not been reported in the literature in individuals affected with EYS-related conditions. ClinVar contains an entry for this variant (Variation ID: 1451533). For these reasons, this variant has been classified as Pathogenic.

3billion
Classification: Pathogenic for Retinitis pigmentosa 25. Last evaluated: 2023-08-09. Review status: criteria provided, single submitter. Criteria: ACMG Guidelines, 2015. Collection method: clinical testing. Allele origin: germline. Affected: yes.
Comment: The variant is not observed in the gnomAD v2.1.1 dataset. Predicted Consequence/Location: Stop-gained (nonsense): predicted to result in a loss or disruption of normal protein function through nonsense-mediated decay (NMD) or protein truncation. Multiple pathogenic variants are reported downstream of the variant. The variant has been reported to be associated with EYS related disorder (ClinVar ID: VCV001451533). Therefore, this variant is classified as Pathogenic according to the recommendation of ACMG/AMP guideline.

Literature cited by the submitters: PubMed 18836446 (cited by Labcorp Genetics (formerly Invitae), Labcorp); PubMed 20333770 (cited by Labcorp Genetics (formerly Invitae), Labcorp).

NM_001142800.2(EYS):c.2425G>T (p.Glu809Ter)

Gene: EYS (EGF-like photoreceptor maintenance factor; minus strand). Cytogenetic location: 6q12.
Variant type: single nucleotide variant.
Coding change: c.2425G>T on transcript NM_001142800.2 (MANE Select); coding-DNA position 2425, G replaced by T.
Protein change: p.Glu809Ter; replaces glutamic acid 809 with a stop codon.
Molecular consequence: nonsense.
Genome position (GRCh38, 1-based): chr6:64,912,700, C>A on the plus strand (G>T on the coding strand, the complement: EYS is on the minus strand). VCF-style: chr6-64912700-C-A. GRCh37 (hg19) VCF-style: chr6-65622593-C-A.
Other names: c.2425G>T, p.Glu809Ter (NM_001292009.2); short protein forms E809*.
Identifiers: ClinVar variation 1451533 (VCV001451533.7), dbSNP rs951544417, ClinGen allele CA364786553.